The following is an entry in ClinVar:

ClinVar aggregate classification (germline): Pathogenic (1 of 4 stars; one submission).

Conditions:
Hereditary cancer-predisposing syndrome. Also called: Hereditary neoplastic syndrome; Hereditary Cancer Syndrome; Neoplastic Syndromes, Hereditary; Tumor predisposition. Identifiers: Orphanet 140162, MedGen C0027672, MeSH D009386, MONDO:0015356.

Submission:

Ambry Genetics
Classification: Pathogenic for Hereditary cancer-predisposing syndrome. Last evaluated: 2023-04-20. Review status: criteria provided, single submitter. Criteria: Ambry Variant Classification Scheme 2023. Collection method: clinical testing. Allele origin: germline.
Comment: The c.885delC pathogenic mutation, located in coding exon 5 of the SMARCA4 gene, results from a deletion of one nucleotide at nucleotide position 885, causing a translational frameshift with a predicted alternate stop codon (p.T296Rfs*7). This alteration is expected to result in loss of function by premature protein truncation or nonsense-mediated mRNA decay. As such, this alteration is interpreted as a disease-causing mutation. Loss-of-function variants in SMARCA4 are known to cause rhabdoid tumor predisposition syndrome including small cell carcinoma of the ovary-hypercalcemic type (SCCOHT); however, such associations with neurodevelopmental disorders are exceedingly rare (Kosho T et al. Am J Med Genet C Semin Med Genet. 2014 Sep;166C(3):262-75; Jelinic P et al. Nat Genet. 2014 May;46(5):424-6). Based on the supporting evidence, this alteration is pathogenic for rhabdoid tumor predisposition syndrome; however, the association of this alteration with Coffin-Siris syndrome is unlikely.

NM_003072.5(SMARCA4):c.885del (p.Thr296fs)

Gene: SMARCA4 (SWI/SNF related BAF chromatin remodeling complex subunit ATPase 4; plus strand). Cytogenetic location: 19p13.2.
Variant type: Deletion.
Coding change: c.885del on transcript NM_003072.5 (MANE Select); coding-DNA position 885, one base deleted (C; older notation c.885delC).
Protein change: p.Thr296fs; shifts the reading frame from threonine 296.
Molecular consequence: frameshift variant. On other transcripts: non-coding transcript variant (1).
Genome position (GRCh38, 1-based): chr19:10,987,691, C deleted; the last of 5 consecutive C bases (chr19:10,987,687-10,987,691); deleting any one gives the same sequence. VCF-style (leftmost placement, unchanged base first): chr19-10987686-GC-G. GRCh37 (hg19) VCF-style: chr19-11098362-GC-G.
Other names: c.885del, p.Thr296fs (NM_001128844.3, NM_001128845.2, NM_001128846.2 and 6 more transcripts); short protein forms T296fs.
Identifiers: ClinVar variation 2567142 (VCV002567142.2), dbSNP rs2514040072, ClinGen allele CA2580613045.